The following is an entry in ClinVar:

ClinVar aggregate classification (germline): Uncertain significance. Review status: criteria provided, multiple submitters, no conflicts (2 of 4 stars). 3 submissions from 3 submitters: Uncertain significance (3). Last evaluated 2025-05-26.

Conditions:
Hereditary cancer-predisposing syndrome. Also called: Neoplastic Syndromes, Hereditary; Hereditary neoplastic syndrome; Tumor predisposition; Hereditary Cancer Syndrome. Identifiers: Orphanet 140162, MedGen C0027672, MeSH D009386, MONDO:0015356.
Ataxia-telangiectasia syndrome (AT). Also called: Ataxia telangiectasia (A-T); Cerebello-oculocutaneous telangiectasia; Immunodeficiency with ataxia telangiectasia; LOUIS-BAR SYNDROME; AT, COMPLEMENTATION GROUP C; ATAXIA-TELANGIECTASIA, FRESNO VARIANT. Identifiers: Orphanet 100, MedGen C0004135, MONDO:0008840, OMIM 208900.

Allele frequency attached by ClinVar (database versions not stated): gnomAD exomes below 0.00001.
gnomAD v4.1: 6 of 1,614,020 alleles (0.00037%); highest among the groups gnomAD compares: Non-Finnish European, 0.00042%; no homozygotes.

Submissions (3):

Labcorp Genetics (formerly Invitae), Labcorp
Classification: Uncertain significance for Ataxia-telangiectasia syndrome. Last evaluated: 2025-05-26. Review status: criteria provided, single submitter. Criteria: Invitae Variant Classification Sherloc (09022015). Collection method: clinical testing. Allele origin: germline.
Comment: This sequence change replaces valine, which is neutral and non-polar, with isoleucine, which is neutral and non-polar, at codon 2340 of the ATM protein (p.Val2340Ile). This variant is not present in population databases (gnomAD no frequency). This variant has not been reported in the literature in individuals affected with ATM-related conditions. ClinVar contains an entry for this variant (Variation ID: 231891). Invitae Evidence Modeling of protein sequence and biophysical properties (such as structural, functional, and spatial information, amino acid conservation, physicochemical variation, residue mobility, and thermodynamic stability) indicates that this missense variant is not expected to disrupt ATM protein function with a negative predictive value of 95%. In summary, the available evidence is currently insufficient to determine the role of this variant in disease. Therefore, it has been classified as a Variant of Uncertain Significance.

Ambry Genetics
Classification: Uncertain significance for Hereditary cancer-predisposing syndrome. Last evaluated: 2024-04-24. Review status: criteria provided, single submitter. Criteria: Ambry Variant Classification Scheme 2023. Collection method: clinical testing. Allele origin: germline.
Comment: The p.V2340I variant (also known as c.7018G>A), located in coding exon 47 of the ATM gene, results from a G to A substitution at nucleotide position 7018. The valine at codon 2340 is replaced by isoleucine, an amino acid with highly similar properties. This amino acid position is poorly conserved in available vertebrate species. In addition, this alteration is predicted to be tolerated by in silico analysis. Since supporting evidence is limited at this time, the clinical significance of this alteration remains unclear.

Color Diagnostics, LLC DBA Color Health
Classification: Uncertain significance for Hereditary cancer-predisposing syndrome. Last evaluated: 2023-12-05. Review status: criteria provided, single submitter. Criteria: ACMG Guidelines, 2015. Collection method: clinical testing. Allele origin: germline.
Comment: This missense variant replaces valine with isoleucine at codon 2340 of the ATM protein. Computational prediction suggests that this variant may not impact protein structure and function (internally defined REVEL score threshold <= 0.5, PMID: 27666373). To our knowledge, functional studies have not been reported for this variant. This variant has not been reported in individuals affected with ATM-related disorders in the literature. This variant has not been identified in the general population by the Genome Aggregation Database (gnomAD). The available evidence is insufficient to determine the role of this variant in disease conclusively. Therefore, this variant is classified as a Variant of Uncertain Significance.

NM_000051.4(ATM):c.7018G>A (p.Val2340Ile)

Genes: ATM (ATM serine/threonine kinase; plus strand), C11orf65 (chromosome 11 open reading frame 65; minus strand). Cytogenetic location: 11q22.3.
Variant type: single nucleotide variant.
Coding change: c.7018G>A on transcript NM_000051.4 (MANE Select); coding-DNA position 7018, G replaced by A.
Protein change: p.Val2340Ile; replaces valine 2340 with isoleucine.
Molecular consequence: missense variant. On other transcripts: intron variant (2).
Genome position (GRCh38, 1-based): chr11:108,327,687, G>A. VCF-style: chr11-108327687-G-A. GRCh37 (hg19) VCF-style: chr11-108198414-G-A.
Other names: c.7018G>A, p.Val2340Ile (NM_001351834.2); c.641-18616C>T (NM_001330368.2); c.*38+7533C>T (NM_001351110.2); short protein forms V2340I.
Identifiers: ClinVar variation 231891 (VCV000231891.14), dbSNP rs876659429, ClinGen allele CA10579247.